The following is an entry in ClinVar:

NM_020680.4(SCYL1):c.418A>G (p.Asn140Asp)

Gene: SCYL1 (SCY1 like pseudokinase 1; plus strand). Cytogenetic location: 11q13.1.
Variant type: single nucleotide variant.
Coding change: c.418A>G on transcript NM_020680.4 (MANE Select); coding-DNA position 418, A replaced by G.
Protein change: p.Asn140Asp; replaces asparagine 140 with aspartic acid.
Molecular consequence: missense variant.
Genome position (GRCh38, 1-based): chr11:65,526,166, A>G. VCF-style: chr11-65526166-A-G. GRCh37 (hg19) VCF-style: chr11-65293637-A-G.
Other names: c.418A>G, p.Asn140Asp (NM_001048218.2, NM_001411022.1); short protein forms N140D.
Identifiers: ClinVar variation 2165507 (VCV002165507.2), dbSNP rs771481228, ClinGen allele CA6099496.
Genomic context (GRCh38, chr11:65,526,166, plus strand): 5'-GGCTCCTTTTGCCCCCAGAAAGCCCTCAGCTTCCTGGTCAACGACTGCAGCCTCATCCAC[A>G]ACAATGTCTGCATGGCCGCCGTGTTCGTGGACCGAGCTGGCGAGTGGAAGCTTGGGGGCC-3'
Protein context (NP_065731.3, residues 130-150): FLVNDCSLIH[Asn140Asp]NVCMAAVFVD

ClinVar aggregate classification (germline): Uncertain significance. Review status: criteria provided, multiple submitters, no conflicts (2 of 4 stars). 2 submissions from 2 submitters: Uncertain significance (2). Last evaluated 2022-04-24.

Conditions:
Inborn genetic diseases. Identifiers: MedGen C0950123, MeSH D030342.

Allele frequency attached by ClinVar (database versions not stated): gnomAD exomes 0.00001; ExAC 0.00003; gnomAD 0.00003; TOPMed 0.00003.
gnomAD v4.1: 24 of 1,613,264 alleles (0.0015%); highest among the groups gnomAD compares: Admixed American, 0.01%; no homozygotes.

Submissions (2):

Labcorp Genetics (formerly Invitae), Labcorp
Classification: Uncertain significance. Last evaluated: 2022-04-24. Review status: criteria provided, single submitter. Criteria: Invitae Variant Classification Sherloc (09022015). Collection method: clinical testing. Allele origin: germline.
Comment: This sequence change replaces asparagine, which is neutral and polar, with aspartic acid, which is acidic and polar, at codon 140 of the SCYL1 protein (p.Asn140Asp). This variant is present in population databases (rs771481228, gnomAD 0.003%). This variant has not been reported in the literature in individuals affected with SCYL1-related conditions. Algorithms developed to predict the effect of missense changes on protein structure and function are either unavailable or do not agree on the potential impact of this missense change (SIFT: "Tolerated"; PolyPhen-2: "Probably Damaging"; Align-GVGD: "Class C0"). In summary, the available evidence is currently insufficient to determine the role of this variant in disease. Therefore, it has been classified as a Variant of Uncertain Significance.

Ambry Genetics
Classification: Uncertain significance for Inborn genetic diseases. Last evaluated: 2021-12-17. Review status: criteria provided, single submitter. Criteria: Ambry Variant Classification Scheme 2023. Collection method: clinical testing. Allele origin: germline.